The following is an entry in ClinVar:

NM_004208.4(AIFM1):c.1184T>G (p.Val395Gly)

Genes: RAB33A (RAB33A, member RAS oncogene family; plus strand), AIFM1 (apoptosis inducing factor mitochondria associated 1; minus strand). Cytogenetic location: Xq26.1.
Variant type: single nucleotide variant.
Coding change: c.1184T>G on transcript NM_004208.4 (MANE Select); coding-DNA position 1184, T replaced by G.
Protein change: p.Val395Gly; replaces valine 395 with glycine.
Molecular consequence: missense variant. On other transcripts: 3 prime UTR variant (1), non-coding transcript variant (1).
Genome position (GRCh38, 1-based): chrX:130,136,166, A>C on the plus strand (T>G on the coding strand, the complement: AIFM1 is on the minus strand). VCF-style: chrX-130136166-A-C. GRCh37 (hg19) VCF-style: chrX-129270141-A-C.
Other names: p.V395G:GTG>GGG; c.167T>G, p.Val56Gly (NM_001130846.4); c.*412T>G (NM_001130847.4); c.1172T>G, p.Val391Gly (NM_145812.3); short protein forms V395G, V391G, V56G.
Identifiers: ClinVar variation 214083 (VCV000214083.2), dbSNP rs863223898, ClinGen allele CA322395.

ClinVar aggregate classification (germline): Likely pathogenic (1 of 4 stars; one submission).

Submission:

GeneDx
Classification: Likely pathogenic. Last evaluated: 2013-11-14. Review status: criteria provided, single submitter. Criteria: GeneDx Variant Classification (06012015). Collection method: clinical testing. Allele origin: germline. Affected: yes.
Comment: p.Val395Gly (GTG>GGG): c.1184 T>G in exon 12 of the AIFM1 gene (NM_004208.3). The V395G missense change that is likely pathogenic was identified in the AIFM1 gene. It has not been published as a mutation, nor has it been reported as a benign polymorphism to our knowledge. The amino acid substitution is conservative as both Valine and Glycine are uncharged, non-polar amino acid residues. However, V395G alters a highly conserved position in mammals in the AIFM1 protein and in silico analysis predicts it likely has a damaging effect on the structure/function of the protein. Therefore, based on the currently available information, V395G is a strong candidate for a disease-causing mutation, however the possibility that it is a benign variant cannot be excluded. The variant is found in MITONUC-MITOP panel(s).